The following is an entry in ClinVar:

NM_012203.2(GRHPR):c.865+1G>T

Gene: GRHPR (glyoxylate and hydroxypyruvate reductase; plus strand). Cytogenetic location: 9p13.2.
Variant type: single nucleotide variant.
Coding change: c.865+1G>T on transcript NM_012203.2 (MANE Select); the canonical splice donor site of the intron after coding-DNA position 865, G replaced by T.
Molecular consequence: splice donor variant.
Genome position (GRCh38, 1-based): chr9:37,432,139, G>T. VCF-style: chr9-37432139-G-T. GRCh37 (hg19) VCF-style: chr9-37432136-G-T.
Identifiers: ClinVar variation 1179173 (VCV001179173.11), dbSNP rs771990662, ClinGen allele CA373444620.
Genomic context (GRCh38, chr9:37,432,139, plus strand): 5'-ATGTGACGAGCCCAGAACCACTGCCTACAAACCACCCTCTCCTGACCCTGAAGAACTGTG[G>T]TAAGAACTGCACTTTCTGATGCAAACTCCCTGCTGCCCTGCAGGACCAGTGTTTTTGAGG-3'

ClinVar aggregate classification (germline): Pathogenic/Likely pathogenic. Review status: criteria provided, multiple submitters, no conflicts (2 of 4 stars). 3 submissions from 3 submitters: Pathogenic (1); Likely pathogenic (2). Last evaluated 2025-06-12.

Conditions:
Primary hyperoxaluria, type II (HP2). Also called: Primary hyperoxaluria type 2; OXALOSIS II; D-GLYCERATE DEHYDROGENASE DEFICIENCY; GLYCERIC ACIDURIA; GLYOXYLATE REDUCTASE/HYDROXYPYRUVATE REDUCTASE DEFICIENCY. Identifiers: Orphanet 416, Orphanet 93599, MedGen C0268165, MONDO:0009824, OMIM 260000. Disease mechanism: loss of function.

Allele frequency attached by ClinVar (database versions not stated): gnomAD 0.00001; TOPMed 0.00001.
gnomAD v4.1: 1 of 1,613,816 alleles (0.000062%); highest among the groups gnomAD compares: African/African-American, 0.0013%; no homozygotes.

Submissions (3):

Labcorp Genetics (formerly Invitae), Labcorp
Classification: Pathogenic. Last evaluated: 2025-06-12. Review status: criteria provided, single submitter. Criteria: Invitae Variant Classification Sherloc (09022015). Collection method: clinical testing. Allele origin: germline.
Comment: This sequence change affects a donor splice site in intron 8 of the GRHPR gene. While this variant is not anticipated to result in nonsense mediated decay, it likely alters RNA splicing and results in a disrupted protein product. This variant is not present in population databases (gnomAD no frequency). This variant has not been reported in the literature in individuals affected with GRHPR-related conditions. ClinVar contains an entry for this variant (Variation ID: 1179173). Variants that disrupt the consensus splice site are a relatively common cause of aberrant splicing (PMID: 17576681, 9536098). Algorithms developed to predict the effect of sequence changes on RNA splicing suggest that this variant may disrupt the consensus splice site. This variant disrupts a region of the GRHPR protein in which other variant(s) (p.Met322Arg) have been determined to be pathogenic (PMID: 11030416). This suggests that this is a clinically significant region of the protein, and that variants that disrupt it are likely to be disease-causing. For these reasons, this variant has been classified as Pathogenic.

Laboratory of Genetics, Children's Clinical University Hospital Latvia
Classification: Likely pathogenic. Last evaluated: 2025-02-16. Review status: criteria provided, single submitter. Criteria: ACMG Guidelines, 2015. Collection method: clinical testing. Allele origin: germline. Affected: yes.

Fulgent Genetics
Classification: Likely pathogenic for Primary hyperoxaluria, type II. Last evaluated: 2021-06-30. Review status: criteria provided, single submitter. Criteria: ACMG Guidelines, 2015. Collection method: clinical testing. Allele origin: unknown.
Comment: This variant has been detected in individual(s) who were sent for testing of Renasight - kidney gene panel.

Literature cited by the submitters: PubMed 17576681 (cited by Labcorp Genetics (formerly Invitae), Labcorp); PubMed 9536098 (cited by Labcorp Genetics (formerly Invitae), Labcorp); PubMed 11030416 (cited by Labcorp Genetics (formerly Invitae), Labcorp).